The following is an entry in ClinVar:

NM_001142800.2(EYS):c.7433T>G (p.Leu2478Arg)

Gene: EYS (EGF-like photoreceptor maintenance factor; minus strand). Cytogenetic location: 6q12.
Variant type: single nucleotide variant.
Coding change: c.7433T>G on transcript NM_001142800.2 (MANE Select); coding-DNA position 7433, T replaced by G.
Protein change: p.Leu2478Arg; replaces leucine 2478 with arginine.
Molecular consequence: missense variant.
Genome position (GRCh38, 1-based): chr6:63,789,203, A>C on the plus strand (T>G on the coding strand, the complement: EYS is on the minus strand). VCF-style: chr6-63789203-A-C. GRCh37 (hg19) VCF-style: chr6-64499096-A-C.
Other names: c.7433T>G, p.Leu2478Arg (NM_001292009.2); short protein forms L2478R.
Identifiers: ClinVar variation 2761252 (VCV002761252.3), dbSNP rs2533542248, ClinGen allele CA364386055.

ClinVar aggregate classification (germline): Uncertain significance (1 of 4 stars; one submission).

Submission:

Labcorp Genetics (formerly Invitae), Labcorp
Classification: Uncertain significance. Last evaluated: 2023-09-25. Review status: criteria provided, single submitter. Criteria: Invitae Variant Classification Sherloc (09022015). Collection method: clinical testing. Allele origin: germline.
Comment: This sequence change replaces leucine, which is neutral and non-polar, with arginine, which is basic and polar, at codon 2478 of the EYS protein (p.Leu2478Arg). This variant is not present in population databases (gnomAD no frequency). This variant has not been reported in the literature in individuals affected with EYS-related conditions. Advanced modeling of protein sequence and biophysical properties (such as structural, functional, and spatial information, amino acid conservation, physicochemical variation, residue mobility, and thermodynamic stability) has been performed at Invitae for this missense variant, however the output from this modeling did not meet the statistical confidence thresholds required to predict the impact of this variant on EYS protein function. In summary, the available evidence is currently insufficient to determine the role of this variant in disease. Therefore, it has been classified as a Variant of Uncertain Significance.